The following is an entry in ClinVar:

ClinVar aggregate classification (germline): Uncertain significance. Review status: criteria provided, multiple submitters, no conflicts (2 of 4 stars). 2 submissions from 2 submitters: Uncertain significance (2). Last evaluated 2026-09-16.

Conditions:
AHI1-related disorder. Also called: AHI1-related condition.

gnomAD v4.1: 30 of 1,589,044 alleles (0.0019%); highest among the groups gnomAD compares: South Asian, 0.032%; no homozygotes.

Submissions (2):

PreventionGenetics, part of Exact Sciences
Classification: Uncertain significance for AHI1-related condition. Last evaluated: 2026-09-16. Review status: criteria provided, single submitter. Criteria: ACMG Guidelines, 2015. Collection method: clinical testing. Allele origin: germline.
Comment: The AHI1 c.2455A>G variant is predicted to result in the amino acid substitution p.Thr819Ala. To our knowledge, this variant has not been reported in the literature. This variant is reported in 0.015% of alleles in individuals of South Asian descent in gnomAD. At this time, the clinical significance of this variant is uncertain due to the absence of conclusive functional and genetic evidence.

Blueprint Genetics
Classification: Uncertain significance. Last evaluated: 2023-06-30. Review status: criteria provided, single submitter. Criteria: ACMG Guidelines, 2015. Collection method: clinical testing. Allele origin: germline.

NM_001134831.2(AHI1):c.2455A>G (p.Thr819Ala)

Gene: AHI1 (Abelson helper integration site 1; minus strand). Cytogenetic location: 6q23.3.
Variant type: single nucleotide variant.
Coding change: c.2455A>G on transcript NM_001134831.2 (MANE Select); coding-DNA position 2455, A replaced by G.
Protein change: p.Thr819Ala; replaces threonine 819 with alanine.
Molecular consequence: missense variant.
Genome position (GRCh38, 1-based): chr6:135,429,919, T>C on the plus strand (A>G on the coding strand, the complement: AHI1 is on the minus strand). VCF-style: chr6-135429919-T-C. GRCh37 (hg19) VCF-style: chr6-135751057-T-C.
Other names: c.2455A>G (NM_017651.4); c.2455A>G, p.Thr819Ala (NM_001134830.2, NM_001134832.2, NM_001350503.2 and 2 more transcripts); short protein forms T819A.
Identifiers: ClinVar variation 4894065 (VCV004894065.2).